The following is an entry in ClinVar:

ClinVar aggregate classification (germline): Uncertain significance (1 of 4 stars; one submission).

gnomAD v4.1: 26 of 1,550,944 alleles (0.0017%); highest among the groups gnomAD compares: East Asian, 0.0023%; no homozygotes.

Submission:

Labcorp Genetics (formerly Invitae), Labcorp
Classification: Uncertain significance. Last evaluated: 2023-03-24. Review status: criteria provided, single submitter. Criteria: Invitae Variant Classification Sherloc (09022015). Collection method: clinical testing. Allele origin: germline.
Comment: In summary, the available evidence is currently insufficient to determine the role of this variant in disease. Therefore, it has been classified as a Variant of Uncertain Significance. Advanced modeling of protein sequence and biophysical properties (such as structural, functional, and spatial information, amino acid conservation, physicochemical variation, residue mobility, and thermodynamic stability) performed at Invitae indicates that this missense variant is not expected to disrupt DVL1 protein function. This variant has not been reported in the literature in individuals affected with DVL1-related conditions. The frequency data for this variant in the population databases is considered unreliable, as metrics indicate poor data quality at this position in the gnomAD database. This sequence change replaces proline, which is neutral and non-polar, with leucine, which is neutral and non-polar, at codon 561 of the DVL1 protein (p.Pro561Leu).

NM_001330311.2(DVL1):c.1757C>T (p.Pro586Leu)

Gene: DVL1 (dishevelled segment polarity protein 1; minus strand). Cytogenetic location: 1p36.33.
Variant type: single nucleotide variant.
Coding change: c.1757C>T on transcript NM_001330311.2 (MANE Select); coding-DNA position 1757, C replaced by T.
Protein change: p.Pro586Leu; replaces proline 586 with leucine.
Molecular consequence: missense variant.
Genome position (GRCh38, 1-based): chr1:1,336,473, G>A on the plus strand (C>T on the coding strand, the complement: DVL1 is on the minus strand). VCF-style: chr1-1336473-G-A. GRCh37 (hg19) VCF-style: chr1-1271853-G-A.
Other names: c.1682C>T, p.Pro561Leu (NM_004421.3); short protein forms P561L, P586L.
Identifiers: ClinVar variation 3012174 (VCV003012174.3), dbSNP rs113005319, ClinGen allele CA519846.